The following is an entry in ClinVar:

NM_001384474.1(LOXHD1):c.1876G>T (p.Gly626Cys)

Gene: LOXHD1 (lipoxygenase homology PLAT domains 1; minus strand). Cytogenetic location: 18q21.1.
Variant type: single nucleotide variant.
Coding change: c.1876G>T on transcript NM_001384474.1 (MANE Select); coding-DNA position 1876, G replaced by T.
Protein change: p.Gly626Cys; replaces glycine 626 with cysteine.
Molecular consequence: missense variant.
Genome position (GRCh38, 1-based): chr18:46,577,801, C>A on the plus strand (G>T on the coding strand, the complement: LOXHD1 is on the minus strand). VCF-style: chr18-46577801-C-A. GRCh37 (hg19) VCF-style: chr18-44157764-C-A.
Other names: c.1876G>T, p.Gly626Cys (NM_144612.7); short protein forms G626C.
Identifiers: ClinVar variation 47922 (VCV000047922.34), dbSNP rs34589386, ClinGen allele CA142192.

ClinVar aggregate classification (germline): Conflicting classifications of pathogenicity. Review status: criteria provided, conflicting classifications (1 of 4 stars). 8 submissions from 8 submitters: Uncertain significance (1); Benign (6). 1 of the submissions does not count toward it. Last evaluated 2026-02-04.

Conditions:
Autosomal recessive nonsyndromic hearing loss 77. Identifiers: Orphanet 90636, MedGen C2746083, MONDO:0013119, OMIM 613079.

Allele frequency attached by ClinVar (database versions not stated): 1000 Genomes Project 0.01278; 1000 Genomes Project 30x 0.01343; gnomAD exomes 0.01373 and 0.01642; ESP Exome Variant Server 0.01445; gnomAD 0.01503 and 0.01532; TOPMed 0.01571; ExAC 0.02512.
gnomAD v4.1: 21,821 of 1,551,672 alleles (1.4%); highest among the groups gnomAD compares: Middle Eastern, 3.8%; 267 homozygotes.

Submissions (8):

Labcorp Genetics (formerly Invitae), Labcorp
Classification: Benign. Last evaluated: 2026-02-04. Review status: criteria provided, single submitter. Criteria: Invitae Variant Classification Sherloc (09022015). Collection method: clinical testing. Allele origin: germline.

ARUP Laboratories, Molecular Genetics and Genomics, ARUP Laboratories
Classification: Benign for Autosomal recessive nonsyndromic hearing loss 77. Last evaluated: 2023-11-06. Review status: criteria provided, single submitter. Criteria: ARUP Molecular Germline Variant Investigation Process 2024. Collection method: clinical testing. Allele origin: germline.

Genome-Nilou Lab
Classification: Benign for Autosomal recessive nonsyndromic hearing loss 77. Last evaluated: 2021-05-18. Review status: criteria provided, single submitter. Criteria: ACMG Guidelines, 2015. Collection method: clinical testing. Allele origin: germline. Affected: no.

Athena Diagnostics
Classification: Benign. Last evaluated: 2018-08-31. Review status: criteria provided, single submitter. Criteria: Athena Diagnostics Criteria. Collection method: clinical testing. Allele origin: germline.

Illumina Laboratory Services, Illumina
Classification: Uncertain significance for Autosomal recessive nonsyndromic hearing loss 77. Last evaluated: 2018-01-13. Review status: criteria provided, single submitter. Criteria: ICSL Variant Classification Criteria 13 December 2019. Collection method: clinical testing. Allele origin: germline.

GeneDx
Classification: Benign. Last evaluated: 2017-12-28. Review status: criteria provided, single submitter. Criteria: GeneDx Variant Classification (06012015). Collection method: clinical testing. Allele origin: germline. Affected: yes.
Comment: This variant is considered likely benign or benign based on one or more of the following criteria: it is a conservative change, it occurs at a poorly conserved position in the protein, it is predicted to be benign by multiple in silico algorithms, and/or has population frequency not consistent with disease.

Laboratory for Molecular Medicine, Mass General Brigham Personalized Medicine
Classification: Benign. Last evaluated: 2012-05-07. Review status: criteria provided, single submitter. Criteria: LMM Criteria. Collection method: clinical testing. Allele origin: germline. Observed: 62 variant alleles.
Comment: Gly626Cys in Exon 14 of LOXHD1: This variant is not expected to have clinical si gnificance because it has been identified in 1.3% (33/2532) of European American chromosomes from a broad population by the NHLBI Exome Sequencing Project (dbSNP rs34589386).

Natera, Inc.
Classification: Benign for Autosomal recessive deafness type 77. Last evaluated: 2020-09-16. Review status: no assertion criteria provided. Collection method: clinical testing. Allele origin: germline. Not counted in ClinVar's aggregate classification.

Literature cited by the submitters: PubMed 19732867 (cited by Athena Diagnostics).